The following is an entry in ClinVar:

NM_182961.4(SYNE1):c.5525dup (p.Gln1843fs)

Gene: SYNE1 (spectrin repeat containing nuclear envelope protein 1; minus strand). Cytogenetic location: 6q25.2.
Variant type: Duplication.
Coding change: c.5525dup on transcript NM_182961.4 (MANE Select); coding-DNA position 5525, one base duplicated (T; older notation c.5525dupT).
Protein change: p.Gln1843fs; shifts the reading frame from glutamine 1843.
Molecular consequence: frameshift variant.
Genome position (GRCh38, 1-based): chr6:152,416,912, A duplicated on the plus strand (T on the coding strand, the reverse complement: SYNE1 is on the minus strand). VCF-style (leftmost placement, unchanged base first): chr6-152416911-C-CA. GRCh37 (hg19) VCF-style: chr6-152738046-C-CA.
Other names: c.5546dup, p.Gln1850fs (NM_033071.5); short protein forms Q1843fs, Q1850fs.
Identifiers: ClinVar variation 1073796 (VCV001073796.7), dbSNP rs2154182611, ClinGen allele CA2499218150.

ClinVar aggregate classification (germline): Pathogenic (1 of 4 stars; one submission).

Conditions:
Emery-Dreifuss muscular dystrophy 4, autosomal dominant (EDMD4). Also called: EMERY-DREIFUSS MUSCULAR DYSTROPHY 4 WITH VARIABLE FEATURES. Identifiers: Orphanet 261, MedGen C2751807, MONDO:0013071, OMIM 612998.
Autosomal recessive ataxia, Beauce type. Also called: Spinocerebellar ataxia, autosomal recessive 8; ATAXIA, RECESSIVE, OF BEAUCE; SYNE1-Related Autosomal Recessive Cerebellar Ataxia; SYNE1 Deficiency. Identifiers: Orphanet 88644, MedGen C1853116, MONDO:0012549, OMIM 610743.

Submission:

Labcorp Genetics (formerly Invitae), Labcorp
Classification: Pathogenic for Emery-Dreifuss muscular dystrophy 4, autosomal dominant; Autosomal recessive ataxia, Beauce type. Last evaluated: 2020-04-27. Review status: criteria provided, single submitter. Criteria: Invitae Variant Classification Sherloc (09022015). Collection method: clinical testing. Allele origin: germline.
Comment: Loss-of-function variants in SYNE1 are known to be pathogenic (PMID: 19542096, 24319099, 27086870). This variant has not been reported in the literature in individuals with SYNE1-related conditions. This variant is not present in population databases (ExAC no frequency). This sequence change creates a premature translational stop signal (p.Gln1850Alafs*5) in the SYNE1 gene. It is expected to result in an absent or disrupted protein product. For these reasons, this variant has been classified as Pathogenic.

Literature cited by the submitters: PubMed 19542096; PubMed 24319099; PubMed 27086870.